The following is an entry in ClinVar:

NM_003872.3(NRP2):c.1147-8C>T

Gene: NRP2 (neuropilin 2; plus strand). Cytogenetic location: 2q33.3.
Variant type: single nucleotide variant.
Coding change: c.1147-8C>T on transcript NM_003872.3 (MANE Select); 8 bases into the intron before coding-DNA position 1147, C replaced by T.
Molecular consequence: intron variant.
Genome position (GRCh38, 1-based): chr2:205,740,511, C>T. VCF-style: chr2-205740511-C-T. GRCh37 (hg19) VCF-style: chr2-206605235-C-T.
Other names: c.1147-8C>T (NM_201266.2, NM_201279.2, NM_018534.4 and 2 more transcripts).
Identifiers: ClinVar variation 3051314 (VCV003051314.2), dbSNP rs371862574, ClinGen allele CA2069033.
Genomic context (GRCh38, chr2:205,740,511, plus strand): 5'-AAGACTGCTCAAGTGGCTGAACTACAAACAGGGGTTTCAATAACATGGTTTTGCATCTTA[C>T]GCTACAGGTATTTCAAGCCAACAACGATGCAACTGAGGTGGTTCTGAACAAGCTCCACGC-3'

ClinVar aggregate classification (germline): Likely benign (0 of 4 stars; one submission).

Conditions:
NRP2-related disorder. Also called: NRP2-related condition.

Allele frequency attached by ClinVar (database versions not stated): gnomAD 0.00006; ExAC 0.00007; TOPMed 0.00011; ESP Exome Variant Server 0.00015.

Submission:

PreventionGenetics, part of Exact Sciences
Classification: Likely benign for NRP2-related condition. Last evaluated: 2021-07-05. Review status: no assertion criteria provided. Collection method: clinical testing. Allele origin: germline.
Comment: This variant is classified as likely benign based on ACMG/AMP sequence variant interpretation guidelines (Richards et al. 2015 PMID: 25741868, with internal and published modifications).